The following is an entry in ClinVar:

ClinVar aggregate classification (germline): Uncertain significance (1 of 4 stars; one submission).

Conditions:
Developmental and epileptic encephalopathy, 54. Also called: HNRNPU-Related Neurodevelopmental Disorder; Epileptic encephalopathy, early infantile, 54. Identifiers: MedGen C4479319, MONDO:0033363, OMIM 617391.

Submission:

Labcorp Genetics (formerly Invitae), Labcorp
Classification: Uncertain significance for Developmental and epileptic encephalopathy, 54. Last evaluated: 2022-08-16. Review status: criteria provided, single submitter. Criteria: Invitae Variant Classification Sherloc (09022015). Collection method: clinical testing. Allele origin: germline.
Comment: In summary, the available evidence is currently insufficient to determine the role of this variant in disease. Therefore, it has been classified as a Variant of Uncertain Significance. ClinVar contains an entry for this variant (Variation ID: 446395). This variant has not been reported in the literature in individuals affected with HNRNPU-related conditions. This variant is not present in population databases (gnomAD no frequency). Algorithms developed to predict the effect of missense changes on protein structure and function are either unavailable or do not agree on the potential impact of this missense change (SIFT: "Tolerated"; PolyPhen-2: "Not Available"; Align-GVGD: "Class C0"). This sequence change replaces asparagine, which is neutral and polar, with serine, which is neutral and polar, at codon 803 of the HNRNPU protein (p.Asn803Ser).

NM_031844.3(HNRNPU):c.2408A>G (p.Asn803Ser)

Gene: HNRNPU (heterogeneous nuclear ribonucleoprotein U; minus strand). Cytogenetic location: 1q44.
Variant type: single nucleotide variant.
Coding change: c.2408A>G on transcript NM_031844.3 (MANE Select); coding-DNA position 2408, A replaced by G.
Protein change: p.Asn803Ser; replaces asparagine 803 with serine.
Molecular consequence: missense variant.
Genome position (GRCh38, 1-based): chr1:244,854,989, T>C on the plus strand (A>G on the coding strand, the complement: HNRNPU is on the minus strand). VCF-style: chr1-244854989-T-C. GRCh37 (hg19) VCF-style: chr1-245018291-T-C.
Other names: c.2351A>G, p.Asn784Ser (NM_004501.3); short protein forms N803S, N784S.
Identifiers: ClinVar variation 446395 (VCV000446395.8), dbSNP rs1553282000, ClinGen allele CA345486658.